The following is an entry in ClinVar:

ClinVar aggregate classification (germline): Uncertain significance. Review status: criteria provided, multiple submitters, no conflicts (2 of 4 stars). 3 submissions from 3 submitters: Uncertain significance (3). Last evaluated 2025-10-28.

Conditions:
Hereditary cancer-predisposing syndrome. Also called: Neoplastic Syndromes, Hereditary; Tumor predisposition; Hereditary Cancer Syndrome; Hereditary neoplastic syndrome. Identifiers: Orphanet 140162, MedGen C0027672, MeSH D009386, MONDO:0015356.
Breast-ovarian cancer, familial, susceptibility to, 4. Identifiers: Orphanet 145, MedGen C3280345, MONDO:0013669, OMIM 614291.

gnomAD v4.1: 1 of 1,611,816 alleles (0.000062%); highest among the groups gnomAD compares: Non-Finnish European, 0.000085%; no homozygotes.

Submissions (3):

Ambry Genetics
Classification: Uncertain significance for Hereditary cancer-predisposing syndrome. Last evaluated: 2025-10-28. Review status: criteria provided, single submitter. Criteria: Ambry Variant Classification Scheme 2023. Collection method: clinical testing. Allele origin: germline.
Comment: The p.Q327* variant (also known as c.979C>T), located in coding exon 10 of the RAD51D gene, results from a C to T substitution at nucleotide position 979. This changes the amino acid from a glutamine to a stop codon within coding exon 10. This alteration occurs at the 3' terminus of the gene, is not expected to trigger nonsense-mediated mRNAdecay, and impacts the last 2 amino acids of the protein. The exact functional effect of this alteration is unknown. Based on the available evidence, the clinical significance of this variant remains unclear.

Labcorp Genetics (formerly Invitae), Labcorp
Classification: Uncertain significance for Breast-ovarian cancer, familial, susceptibility to, 4. Last evaluated: 2024-03-06. Review status: criteria provided, single submitter. Criteria: Invitae Variant Classification Sherloc (09022015). Collection method: clinical testing. Allele origin: germline.
Comment: This sequence change creates a premature translational stop signal (p.Gln327*) in the RAD51D gene. While this is not anticipated to result in nonsense mediated decay, it is expected to disrupt the last 2 amino acid(s) of the RAD51D protein. This variant is not present in population databases (gnomAD no frequency). This variant has not been reported in the literature in individuals affected with RAD51D-related conditions. ClinVar contains an entry for this variant (Variation ID: 187753). Experimental studies and prediction algorithms are not available or were not evaluated, and the functional significance of this variant is currently unknown. In summary, the available evidence is currently insufficient to determine the role of this variant in disease. Therefore, it has been classified as a Variant of Uncertain Significance.

PreventionGenetics, part of Exact Sciences
Classification: Uncertain significance. Last evaluated: 2016-12-20. Review status: criteria provided, single submitter. Criteria: ACMG Guidelines, 2015. Collection method: clinical testing. Allele origin: germline.

NM_002878.4(RAD51D):c.979C>T (p.Gln327Ter)

Genes: RAD51D (RAD51 paralog D; minus strand), RAD51L3-RFFL (RAD51L3-RFFL readthrough; minus strand). Cytogenetic location: 17q12.
Variant type: single nucleotide variant.
Coding change: c.979C>T on transcript NM_002878.4 (MANE Select); coding-DNA position 979, C replaced by T.
Protein change: p.Gln327Ter; replaces glutamine 327 with a stop codon.
Molecular consequence: nonsense. On other transcripts: non-coding transcript variant (2).
Genome position (GRCh38, 1-based): chr17:35,100,961, G>A on the plus strand (C>T on the coding strand, the complement: RAD51D is on the minus strand). VCF-style: chr17-35100961-G-A. GRCh37 (hg19) VCF-style: chr17-33427980-G-A.
Other names: c.1039C>T, p.Gln347Ter (NM_001142571.2); c.643C>T, p.Gln215Ter (NM_133629.3); short protein forms Q327*, Q215*, Q347*.
Identifiers: ClinVar variation 187753 (VCV000187753.12), dbSNP rs786203974, ClinGen allele CA198479.